The following is an entry in ClinVar:

NM_144508.5(KNL1):c.3798A>G (p.Thr1266=)

Gene: KNL1 (kinetochore scaffold 1; plus strand). Cytogenetic location: 15q15.1.
Variant type: single nucleotide variant.
Coding change: c.3798A>G on transcript NM_144508.5 (MANE Select); coding-DNA position 3798, A replaced by G.
Protein change: p.Thr1266=; no amino-acid change (threonine 1266 retained).
Molecular consequence: synonymous variant.
Genome position (GRCh38, 1-based): chr15:40,624,062, A>G. VCF-style: chr15-40624062-A-G. GRCh37 (hg19) VCF-style: chr15-40916260-A-G.
Other names: NC_000015.9:g.40916260A>G; c.3876A>G, p.Thr1292= (NM_170589.5); c.3876A>G (NM_170589.4).
Identifiers: ClinVar variation 4401942 (VCV004401942.3).

ClinVar aggregate classification (germline): Likely benign. Review status: criteria provided, multiple submitters, no conflicts (2 of 4 stars). 2 submissions from 2 submitters: Likely benign (2). Last evaluated 2026-03-30.

Conditions:
KNL1-related disorder. Also called: KNL1-related condition.

gnomAD v4.1: 30 of 1,613,966 alleles (0.0019%); highest among the groups gnomAD compares: East Asian, 0.011%; no homozygotes.

Submissions (3):

PreventionGenetics, part of Exact Sciences
Classification: Likely benign for KNL1-related condition. Last evaluated: 2026-03-30. Review status: criteria provided, single submitter. Criteria: ACMG Guidelines, 2015. Collection method: clinical testing. Allele origin: germline.
Comment: This variant is classified as likely benign based on ACMG/AMP sequence variant interpretation guidelines (Richards et al. 2015 PMID: 25741868, with internal and published modifications).

Blueprint Genetics
Classification: Likely benign. Last evaluated: 2024-08-06. Review status: criteria provided, single submitter. Criteria: ACMG Guidelines, 2015. Collection method: clinical testing. Allele origin: germline.

Dr. Peter K. Rogan Lab, Western University
No classification provided (evidence only). Condition: Sarcoma. Review status: no classification provided. Collection method: in vitro. Allele origin: not applicable. Functional consequence: skipped exon, retained intron. Not counted in ClinVar's aggregate classification.